The following is an entry in ClinVar:

NM_000536.4(RAG2):c.763G>A (p.Gly255Arg)

Gene: RAG2 (recombination activating 2; minus strand). Cytogenetic location: 11p12.
Variant type: single nucleotide variant.
Coding change: c.763G>A on transcript NM_000536.4 (MANE Select); coding-DNA position 763, G replaced by A.
Protein change: p.Gly255Arg; replaces glycine 255 with arginine.
Molecular consequence: missense variant.
Genome position (GRCh38, 1-based): chr11:36,593,406, C>T on the plus strand (G>A on the coding strand, the complement: RAG2 is on the minus strand). VCF-style: chr11-36593406-C-T. GRCh37 (hg19) VCF-style: chr11-36614956-C-T.
Other names: c.763G>A, p.Gly255Arg (NM_001243785.2, NM_001243786.2); short protein forms G255R.
Identifiers: ClinVar variation 3753748 (VCV003753748.2).

ClinVar aggregate classification (germline): Uncertain significance (1 of 4 stars; one submission).

Conditions:
Severe combined immunodeficiency, autosomal recessive, T cell-negative, B cell-negative, NK cell-positive. Also called: SCID, AR, T-cell negative, B-cell negative, NK cell-positive; SCID, T CELL-NEGATIVE, B CELL-NEGATIVE, NK CELL-POSITIVE; Severe combined immunodeficiency due to complete RAG1/2 deficiency. Identifiers: Orphanet 331206, MedGen C1832322, MONDO:0011086, OMIM 601457.
Combined immunodeficiency with skin granulomas. Identifiers: Orphanet 157949, MedGen C2673536, MONDO:0009306, OMIM 233650.

Submission:

Labcorp Genetics (formerly Invitae), Labcorp
Classification: Uncertain significance for Combined immunodeficiency with skin granulomas; Severe combined immunodeficiency, autosomal recessive, T cell-negative, B cell-negative, NK cell-positive. Last evaluated: 2024-09-15. Review status: criteria provided, single submitter. Criteria: Invitae Variant Classification Sherloc (09022015). Collection method: clinical testing. Allele origin: germline.
Comment: This sequence change replaces glycine, which is neutral and non-polar, with arginine, which is basic and polar, at codon 255 of the RAG2 protein (p.Gly255Arg). This variant is not present in population databases (gnomAD no frequency). This variant has not been reported in the literature in individuals affected with RAG2-related conditions. Invitae Evidence Modeling of protein sequence and biophysical properties (such as structural, functional, and spatial information, amino acid conservation, physicochemical variation, residue mobility, and thermodynamic stability) indicates that this missense variant is expected to disrupt RAG2 protein function with a positive predictive value of 80%. In summary, the available evidence is currently insufficient to determine the role of this variant in disease. Therefore, it has been classified as a Variant of Uncertain Significance.